The following is an entry in ClinVar:

ClinVar aggregate classification (germline): Uncertain significance (1 of 4 stars; one submission).

Submission:

Labcorp Genetics (formerly Invitae), Labcorp
Classification: Uncertain significance. Last evaluated: 2022-06-13. Review status: criteria provided, single submitter. Criteria: Invitae Variant Classification Sherloc (09022015). Collection method: clinical testing. Allele origin: germline.
Comment: In summary, the available evidence is currently insufficient to determine the role of this variant in disease. Therefore, it has been classified as a Variant of Uncertain Significance. Variants that disrupt the consensus splice site are a relatively common cause of aberrant splicing (PMID: 17576681, 9536098). Algorithms developed to predict the effect of sequence changes on RNA splicing suggest that this variant may disrupt the consensus splice site. This variant has not been reported in the literature in individuals affected with HPS3-related conditions. This variant is not present in population databases (gnomAD no frequency). This sequence change falls in intron 11 of the HPS3 gene. It does not directly change the encoded amino acid sequence of the HPS3 protein. It affects a nucleotide within the consensus splice site.

Literature cited by the submitters: PubMed 17576681; PubMed 9536098.

NM_032383.5(HPS3):c.2106+5G>T

Gene: HPS3 (HPS3 biogenesis of lysosomal organelles complex 2 subunit 1; plus strand). Cytogenetic location: 3q24.
Variant type: single nucleotide variant.
Coding change: c.2106+5G>T on transcript NM_032383.5 (MANE Select); 5 bases into the intron after coding-DNA position 2106, G replaced by T.
Molecular consequence: intron variant.
Genome position (GRCh38, 1-based): chr3:149,160,284, G>T. VCF-style: chr3-149160284-G-T. GRCh37 (hg19) VCF-style: chr3-148878071-G-T.
Other names: c.1611+5G>T (NM_001308258.2).
Identifiers: ClinVar variation 2005816 (VCV002005816.4), dbSNP rs2473114282, ClinGen allele CA2580068945.
Genomic context (GRCh38, chr3:149,160,284, plus strand): 5'-CTCTGAAAATGGGAGATCTTGACATGCACAGAAATGAAATGAAAAGCCATTCAGAGGTAT[G>T]GAGCTCTGCCCGGTGCTAACAGAAGGCTGAAATAGGACCTGGTAATCCTGAAGTGTTTAG-3'